The following is an entry in ClinVar:

NM_020971.3(SPTBN4):c.1041A>G (p.Gln347=)

Gene: SPTBN4 (spectrin beta, non-erythrocytic 4; plus strand). Cytogenetic location: 19q13.2.
Variant type: single nucleotide variant.
Coding change: c.1041A>G on transcript NM_020971.3 (MANE Select); coding-DNA position 1041, A replaced by G.
Protein change: p.Gln347=; no amino-acid change (glutamine 347 retained).
Molecular consequence: synonymous variant.
Genome position (GRCh38, 1-based): chr19:40,502,271, A>G. VCF-style: chr19-40502271-A-G. GRCh37 (hg19) VCF-style: chr19-41008178-A-G.
Identifiers: ClinVar variation 1258170 (VCV001258170.5), dbSNP rs117958811, ClinGen allele CA9445508.

ClinVar aggregate classification (germline): Benign. Review status: criteria provided, multiple submitters, no conflicts (2 of 4 stars). 3 submissions from 3 submitters: Benign (2). 1 of the submissions does not count toward it. Last evaluated 2021-05-05.

Conditions:
SPTBN4-related disorder. Also called: SPTBN4-related condition.

Allele frequency attached by ClinVar (database versions not stated): ESP Exome Variant Server 0.00069; gnomAD exomes 0.00368 and 0.01394; gnomAD 0.00705 and 0.00793; TOPMed 0.01106; ExAC 0.01149; 1000 Genomes Project 30x 0.02139; 1000 Genomes Project 0.02216.
gnomAD v4.1: 6,767 of 1,613,014 alleles (0.42%); highest among the groups gnomAD compares: East Asian, 7.2%; 216 homozygotes.

Submissions (3):

GeneDx
Classification: Benign. Last evaluated: 2021-05-05. Review status: criteria provided, single submitter. Criteria: GeneDx Variant Classification Process June 2021. Collection method: clinical testing. Allele origin: germline. Affected: yes.

Breakthrough Genomics
Classification: Benign. Review status: criteria provided, single submitter. Criteria: ACMG Guidelines, 2015. Collection method: not provided. Allele origin: germline. Inheritance: Autosomal recessive inheritance. Affected: yes.

PreventionGenetics, part of Exact Sciences
Classification: Benign for SPTBN4-related condition. Last evaluated: 2019-11-12. Review status: no assertion criteria provided. Collection method: clinical testing. Allele origin: germline. Not counted in ClinVar's aggregate classification.
Comment: This variant is classified as benign based on ACMG/AMP sequence variant interpretation guidelines (Richards et al. 2015 PMID: 25741868, with internal and published modifications).